The following is an entry in ClinVar:

ClinVar aggregate classification (germline): Likely benign. Review status: criteria provided, multiple submitters, no conflicts (2 of 4 stars). 2 submissions from 2 submitters: Likely benign (2). Last evaluated 2026-02-01.

Conditions:
Familial focal epilepsy with variable foci (FPEVF). Identifiers: Orphanet 98820, MedGen C1858477, MONDO:0020310.

Allele frequency attached by ClinVar (database versions not stated): ExAC 0.00002; gnomAD exomes 0.00002 and 0.00007; gnomAD 0.00005; TOPMed 0.00005; ESP Exome Variant Server 0.00008.

Submissions (2):

CeGaT Center for Human Genetics Tuebingen
Classification: Likely benign. Last evaluated: 2026-02-01. Review status: criteria provided, single submitter. Criteria: CeGaT Center For Human Genetics Tuebingen Variant Classification Criteria Version 2. Collection method: clinical testing. Allele origin: germline. Affected: yes. Observed: 2 variant alleles.
Comment: DEPDC5: BP4, BS2

Labcorp Genetics (formerly Invitae), Labcorp
Classification: Likely benign for Familial focal epilepsy with variable foci. Last evaluated: 2025-12-21. Review status: criteria provided, single submitter. Criteria: Invitae Variant Classification Sherloc (09022015). Collection method: clinical testing. Allele origin: germline.

NM_001242896.3(DEPDC5):c.1509C>T (p.Ser503=)

Gene: DEPDC5 (DEP domain containing 5, GATOR1 subcomplex subunit; plus strand). Cytogenetic location: 22q12.3.
Variant type: single nucleotide variant.
Coding change: c.1509C>T on transcript NM_001242896.3 (MANE Select); coding-DNA position 1509, C replaced by T.
Protein change: p.Ser503=; no amino-acid change (serine 503 retained).
Molecular consequence: synonymous variant. On other transcripts: non-coding transcript variant (5).
Genome position (GRCh38, 1-based): chr22:31,815,055, C>T. VCF-style: chr22-31815055-C-T. GRCh37 (hg19) VCF-style: chr22-32211041-C-T.
Other names: c.1509C>T, p.Ser503= (NM_001007188.4, NM_001136029.4, NM_001242897.2 and 7 more transcripts); c.1425C>T, p.Ser475= (NM_001369901.1, NM_001369902.1).
Identifiers: ClinVar variation 466456 (VCV000466456.35), dbSNP rs376217381, ClinGen allele CA10196395.